The following is an entry in ClinVar:

ClinVar aggregate classification (germline): Uncertain significance. Review status: criteria provided, multiple submitters, no conflicts (2 of 4 stars). 2 submissions from 2 submitters: Uncertain significance (2). Last evaluated 2025-03-03.

Conditions:
Inborn genetic diseases. Identifiers: MedGen C0950123, MeSH D030342.

Allele frequency attached by ClinVar (database versions not stated): ExAC 0.00002; gnomAD exomes 0.00002; gnomAD 0.00005; TOPMed 0.00005; ESP Exome Variant Server 0.00008; 1000 Genomes Project 0.00020; 1000 Genomes Project 30x 0.00031.
gnomAD v4.1: 43 of 1,614,026 alleles (0.0027%); highest among the groups gnomAD compares: African/African-American, 0.017%; no homozygotes.

Submissions (2):

Labcorp Genetics (formerly Invitae), Labcorp
Classification: Uncertain significance. Last evaluated: 2025-03-03. Review status: criteria provided, single submitter. Criteria: Invitae Variant Classification Sherloc (09022015). Collection method: clinical testing. Allele origin: germline.
Comment: This sequence change replaces alanine, which is neutral and non-polar, with threonine, which is neutral and polar, at codon 3294 of the DNAH9 protein (p.Ala3294Thr). This variant is present in population databases (rs368607572, gnomAD 0.01%). This variant has not been reported in the literature in individuals affected with DNAH9-related conditions. ClinVar contains an entry for this variant (Variation ID: 2043836). Invitae Evidence Modeling of protein sequence and biophysical properties (such as structural, functional, and spatial information, amino acid conservation, physicochemical variation, residue mobility, and thermodynamic stability) indicates that this missense variant is not expected to disrupt DNAH9 protein function with a negative predictive value of 80%. In summary, the available evidence is currently insufficient to determine the role of this variant in disease. Therefore, it has been classified as a Variant of Uncertain Significance.

Ambry Genetics
Classification: Uncertain significance for Inborn genetic diseases. Last evaluated: 2021-09-27. Review status: criteria provided, single submitter. Criteria: Ambry Variant Classification Scheme 2023. Collection method: clinical testing. Allele origin: germline.

NM_001372.4(DNAH9):c.9880G>A (p.Ala3294Thr)

Gene: DNAH9 (dynein axonemal heavy chain 9; plus strand). Cytogenetic location: 17p12.
Variant type: single nucleotide variant.
Coding change: c.9880G>A on transcript NM_001372.4 (MANE Select); coding-DNA position 9880, G replaced by A.
Protein change: p.Ala3294Thr; replaces alanine 3294 with threonine.
Molecular consequence: missense variant.
Genome position (GRCh38, 1-based): chr17:11,854,375, G>A. VCF-style: chr17-11854375-G-A. GRCh37 (hg19) VCF-style: chr17-11757692-G-A.
Other names: short protein forms A3294T.
Identifiers: ClinVar variation 2043836 (VCV002043836.3), dbSNP rs368607572, ClinGen allele CA8397320.